The following is an entry in ClinVar:

NM_001128205.2(SULF1):c.554A>C (p.Asp185Ala)

Gene: SULF1 (sulfatase 1; plus strand). Cytogenetic location: 8q13.2.
Variant type: single nucleotide variant.
Coding change: c.554A>C on transcript NM_001128205.2 (MANE Select); coding-DNA position 554, A replaced by C.
Protein change: p.Asp185Ala; replaces aspartic acid 185 with alanine.
Molecular consequence: missense variant. On other transcripts: non-coding transcript variant (6), 5 prime UTR variant (1).
Genome position (GRCh38, 1-based): chr8:69,586,498, A>C. VCF-style: chr8-69586498-A-C. GRCh37 (hg19) VCF-style: chr8-70498733-A-C.
Other names: c.554A>C, p.Asp185Ala (NM_001128204.2, NM_001128206.2, NM_001412828.1 and 19 more transcripts); c.368A>C, p.Asp123Ala (NM_001412841.1, NM_001412842.1); c.28A>C, p.Ile10Leu (NM_001412844.1, NM_001412845.1); c.-1148A>C (NM_001412846.1); short protein forms I10L, D123A, D185A.
Identifiers: ClinVar variation 2972661 (VCV002972661.3), dbSNP rs2537108498, ClinGen allele CA371225384.

ClinVar aggregate classification (germline): Uncertain significance (1 of 4 stars; one submission).

Submission:

Labcorp Genetics (formerly Invitae), Labcorp
Classification: Uncertain significance. Last evaluated: 2024-09-08. Review status: criteria provided, single submitter. Criteria: Invitae Variant Classification Sherloc (09022015). Collection method: clinical testing. Allele origin: germline.
Comment: This sequence change replaces aspartic acid, which is acidic and polar, with alanine, which is neutral and non-polar, at codon 185 of the SULF1 protein (p.Asp185Ala). This variant is not present in population databases (gnomAD no frequency). This variant has not been reported in the literature in individuals affected with SULF1-related conditions. An algorithm developed to predict the effect of missense changes on protein structure and function (PolyPhen-2) suggests that this variant is likely to be disruptive. In summary, the available evidence is currently insufficient to determine the role of this variant in disease. Therefore, it has been classified as a Variant of Uncertain Significance.